The following is an entry in ClinVar:

NM_001365999.1(SZT2):c.6065G>C (p.Arg2022Pro)

Gene: SZT2 (SZT2 subunit of KICSTOR complex; plus strand). Cytogenetic location: 1p34.2.
Variant type: single nucleotide variant.
Coding change: c.6065G>C on transcript NM_001365999.1 (MANE Select); coding-DNA position 6065, G replaced by C.
Protein change: p.Arg2022Pro; replaces arginine 2022 with proline.
Molecular consequence: missense variant.
Genome position (GRCh38, 1-based): chr1:43,437,201, G>C. VCF-style: chr1-43437201-G-C. GRCh37 (hg19) VCF-style: chr1-43902872-G-C.
Other names: c.5894G>C, p.Arg1965Pro (NM_015284.4); c.5894G>C (NM_015284.3); short protein forms R1965P, R2022P.
Identifiers: ClinVar variation 2010103 (VCV002010103.5), dbSNP rs751985872, ClinGen allele CA340028056.

ClinVar aggregate classification (germline): Uncertain significance. Review status: criteria provided, multiple submitters, no conflicts (2 of 4 stars). 2 submissions from 2 submitters: Uncertain significance (2). Last evaluated 2024-04-08.

gnomAD v4.1: 2 of 1,614,144 alleles (0.00012%); highest among the groups gnomAD compares: South Asian, 0.0011%; no homozygotes.

Submissions (2):

Labcorp Genetics (formerly Invitae), Labcorp
Classification: Uncertain significance. Last evaluated: 2024-04-08. Review status: criteria provided, single submitter. Criteria: Invitae Variant Classification Sherloc (09022015). Collection method: clinical testing. Allele origin: germline.
Comment: This sequence change replaces arginine, which is basic and polar, with proline, which is neutral and non-polar, at codon 1965 of the SZT2 protein (p.Arg1965Pro). This variant is not present in population databases (gnomAD no frequency). This variant has not been reported in the literature in individuals affected with SZT2-related conditions. ClinVar contains an entry for this variant (Variation ID: 2010103). Advanced modeling of protein sequence and biophysical properties (such as structural, functional, and spatial information, amino acid conservation, physicochemical variation, residue mobility, and thermodynamic stability) performed at Invitae indicates that this missense variant is not expected to disrupt SZT2 protein function with a negative predictive value of 80%. In summary, the available evidence is currently insufficient to determine the role of this variant in disease. Therefore, it has been classified as a Variant of Uncertain Significance.

GeneDx
Classification: Uncertain significance. Last evaluated: 2024-03-17. Review status: criteria provided, single submitter. Criteria: GeneDx Variant Classification Process June 2021. Collection method: clinical testing. Allele origin: germline. Affected: yes.
Comment: Not observed at significant frequency in large population cohorts (gnomAD); In silico analysis supports that this missense variant has a deleterious effect on protein structure/function; Has not been previously published as pathogenic or benign to our knowledge